The following is an entry in ClinVar:

ClinVar aggregate classification (germline): Conflicting classifications of pathogenicity. Review status: criteria provided, conflicting classifications (1 of 4 stars). 6 submissions from 6 submitters: Uncertain significance (1); Benign (3); Likely benign (2). Last evaluated 2026-01-14.

Conditions:
Nephronophthisis. Also called: Juvenile Nephronophthisis. Identifiers: Orphanet 655, MedGen C0687120, MONDO:0019005, HP:0000090.
Infantile nephronophthisis (NPHP2). Also called: Nephronophthisis 2; Nephronophthisis 2, infantile. Identifiers: Orphanet 655, Orphanet 93591, MedGen C1865872, MONDO:0011190, OMIM 602088.
Kidney disorder. Also called: renal disorder; Nephropathy; Kidney disease; Kidney Diseases; renal disease. Identifiers: MedGen C0022658, MONDO:0005240, HP:0000112.

Allele frequency attached by ClinVar (database versions not stated): TOPMed 0.00039; gnomAD 0.00073; 1000 Genomes Project 30x 0.00172; 1000 Genomes Project 0.00200.
gnomAD v4.1: 360 of 1,614,038 alleles (0.022%); highest among the groups gnomAD compares: East Asian, 0.58%; 5 homozygotes.

Submissions (6):

Labcorp Genetics (formerly Invitae), Labcorp
Classification: Benign for Nephronophthisis. Last evaluated: 2026-01-14. Review status: criteria provided, single submitter. Criteria: Invitae Variant Classification Sherloc (09022015). Collection method: clinical testing. Allele origin: germline.

Blueprint Genetics
Classification: Likely benign. Last evaluated: 2024-10-08. Review status: criteria provided, single submitter. Criteria: ACMG Guidelines, 2015. Collection method: clinical testing. Allele origin: germline.

Fulgent Genetics
Classification: Benign for Infantile nephronophthisis. Last evaluated: 2021-07-30. Review status: criteria provided, single submitter. Criteria: ACMG Guidelines, 2015. Collection method: clinical testing. Allele origin: unknown.

Illumina Laboratory Services, Illumina
Classification: Likely benign for Infantile nephronophthisis. Last evaluated: 2018-01-13. Review status: criteria provided, single submitter. Criteria: ICSL Variant Classification Criteria 13 December 2019. Collection method: clinical testing. Allele origin: germline.
Comment: This variant was observed in the ICSL laboratory as part of a predisposition screen in an ostensibly healthy population. It had not been previously curated by ICSL or reported in the Human Gene Mutation Database (HGMD: prior to June 1st, 2018), and was therefore a candidate for classification through an automated scoring system. Utilizing variant allele frequency, disease prevalence and penetrance estimates, and inheritance mode, an automated score was calculated to assess if this variant is too frequent to cause the disease. Based on the score and internal cut-off values, a variant classified as likely benign is not then subjected to further curation. The score for this variant resulted in a classification of likely benign for this disease.

Genome Diagnostics Laboratory, The Hospital for Sick Children
Classification: Uncertain significance for Kidney disorder. Last evaluated: 2016-12-12. Review status: criteria provided, single submitter. Criteria: ACMG Guidelines, 2015. Collection method: clinical testing. Allele origin: germline.

Eurofins Ntd Llc (ga)
Classification: Benign. Last evaluated: 2016-07-14. Review status: criteria provided, single submitter. Criteria: EGL Classification Definitions 2015. Collection method: clinical testing. Allele origin: germline. Observed: 1 variant allele, 1 heterozygote.

NM_014425.5(INVS):c.1704G>A (p.Gly568=)

Gene: INVS (inversin; plus strand). Cytogenetic location: 9q31.1.
Variant type: single nucleotide variant.
Coding change: c.1704G>A on transcript NM_014425.5 (MANE Select); coding-DNA position 1704, G replaced by A.
Protein change: p.Gly568=; no amino-acid change (glycine 568 retained).
Molecular consequence: synonymous variant. On other transcripts: non-coding transcript variant (1).
Genome position (GRCh38, 1-based): chr9:100,272,996, G>A. VCF-style: chr9-100272996-G-A. GRCh37 (hg19) VCF-style: chr9-103035278-G-A.
Other names: c.1416G>A, p.Gly472= (NM_001318381.2); c.726G>A, p.Gly242= (NM_001318382.2).
Identifiers: ClinVar variation 289535 (VCV000289535.24), dbSNP rs114645869, ClinGen allele CA5158468.